The following is an entry in ClinVar:

ClinVar aggregate classification (germline): Uncertain significance. Review status: criteria provided, multiple submitters, no conflicts (2 of 4 stars). 2 submissions from 2 submitters: Uncertain significance (2). Last evaluated 2024-07-29.

Conditions:
Congenital contractural arachnodactyly (CCA). Also called: BEALS SYNDROME; Beals-Hecht syndrome; Arthrogryposis, distal, type 9. Identifiers: Orphanet 115, MedGen C0220668, MONDO:0007363, OMIM 121050.

Allele frequency attached by ClinVar (database versions not stated): gnomAD exomes below 0.00001.
gnomAD v4.1: 6 of 1,613,652 alleles (0.00037%); highest among the groups gnomAD compares: Non-Finnish European, 0.00051%; no homozygotes.

Submissions (2):

GeneDx
Classification: Uncertain significance. Last evaluated: 2024-07-29. Review status: criteria provided, single submitter. Criteria: GeneDx Variant Classification Process June 2021. Collection method: clinical testing. Allele origin: germline. Affected: yes.
Comment: Has not been previously published as pathogenic or benign to our knowledge; Not observed at significant frequency in large population cohorts (gnomAD); Although located in a calcium-binding EGF-like domain of the FBN2 gene, it does not substitute or introduce a cysteine residue (PMID: 19006240, 18767143); In silico analysis supports that this missense variant has a deleterious effect on protein structure/function; This variant is associated with the following publications: (PMID: 19006240, 18767143)

Labcorp Genetics (formerly Invitae), Labcorp
Classification: Uncertain significance for Congenital contractural arachnodactyly. Last evaluated: 2024-04-15. Review status: criteria provided, single submitter. Criteria: Invitae Variant Classification Sherloc (09022015). Collection method: clinical testing. Allele origin: germline.
Comment: This sequence change replaces threonine, which is neutral and polar, with serine, which is neutral and polar, at codon 1707 of the FBN2 protein (p.Thr1707Ser). This variant is not present in population databases (gnomAD no frequency). This variant has not been reported in the literature in individuals affected with FBN2-related conditions. ClinVar contains an entry for this variant (Variation ID: 958273). Advanced modeling of protein sequence and biophysical properties (such as structural, functional, and spatial information, amino acid conservation, physicochemical variation, residue mobility, and thermodynamic stability) performed at Invitae indicates that this missense variant is not expected to disrupt FBN2 protein function with a negative predictive value of 80%. In summary, the available evidence is currently insufficient to determine the role of this variant in disease. Therefore, it has been classified as a Variant of Uncertain Significance.

NM_001999.4(FBN2):c.5119A>T (p.Thr1707Ser)

Gene: FBN2 (fibrillin 2; minus strand). Cytogenetic location: 5q23.3.
Variant type: single nucleotide variant.
Coding change: c.5119A>T on transcript NM_001999.4 (MANE Select); coding-DNA position 5119, A replaced by T.
Protein change: p.Thr1707Ser; replaces threonine 1707 with serine.
Molecular consequence: missense variant.
Genome position (GRCh38, 1-based): chr5:128,310,064, T>A on the plus strand (A>T on the coding strand, the complement: FBN2 is on the minus strand). VCF-style: chr5-128310064-T-A. GRCh37 (hg19) VCF-style: chr5-127645756-T-A.
Other names: short protein forms T1707S.
Identifiers: ClinVar variation 958273 (VCV000958273.11), dbSNP rs1749990667, ClinGen allele CA360744515.